The following is an entry in ClinVar:

NM_004722.4(AP4M1):c.1050A>G (p.Pro350=)

Gene: AP4M1 (adaptor related protein complex 4 subunit mu 1; plus strand). Cytogenetic location: 7q22.1.
Variant type: single nucleotide variant.
Coding change: c.1050A>G on transcript NM_004722.4 (MANE Select); coding-DNA position 1050, A replaced by G.
Protein change: p.Pro350=; no amino-acid change (proline 350 retained).
Molecular consequence: synonymous variant.
Genome position (GRCh38, 1-based): chr7:100,106,427, A>G. VCF-style: chr7-100106427-A-G. GRCh37 (hg19) VCF-style: chr7-99704050-A-G.
Other names: c.1071A>G, p.Pro357= (NM_001363671.2).
Identifiers: ClinVar variation 1608297 (VCV001608297.23), dbSNP rs139116680, ClinGen allele CA4374958.
Genomic context (GRCh38, chr7:100,106,427, plus strand): 5'-GTGCCAAGCCCAGCACCTTCCCTTTCCAAACTCCAGCCTGTCTCAGGAGCTGAGCAGCCC[A>G]GAGCAGAAGGCTGAGCTGGCAGAGGGAGCCCTTCGCTGGGACCTGCCTCGGGTGCAAGGA-3'
Protein context (NP_004713.2, residues 340-360): VVSLSQELSS[Pro350=]EQKAELAEGA

ClinVar aggregate classification (germline): Benign/Likely benign. Review status: criteria provided, multiple submitters, no conflicts (2 of 4 stars). 2 submissions from 2 submitters: Benign (1); Likely benign (1). Last evaluated 2025-12-15.

Conditions:
Hereditary spastic paraplegia 50 (SPG50). Also called: Spastic paraplegia 50, autosomal recessive. Identifiers: Orphanet 280763, MedGen C2752008, MONDO:0013048, OMIM 612936.

Allele frequency attached by ClinVar (database versions not stated): gnomAD 0.00006; gnomAD exomes 0.00007 and 0.00028; TOPMed 0.00013; ExAC 0.00033.

Submissions (2):

Labcorp Genetics (formerly Invitae), Labcorp
Classification: Benign for Hereditary spastic paraplegia 50. Last evaluated: 2025-12-15. Review status: criteria provided, single submitter. Criteria: Invitae Variant Classification Sherloc (09022015). Collection method: clinical testing. Allele origin: germline.

CeGaT Center for Human Genetics Tuebingen
Classification: Likely benign. Last evaluated: 2024-09-01. Review status: criteria provided, single submitter. Criteria: CeGaT Center For Human Genetics Tuebingen Variant Classification Criteria Version 2. Collection method: clinical testing. Allele origin: germline. Affected: yes. Observed: 1 variant allele.
Comment: AP4M1: BP4, BP7